The following is an entry in ClinVar:

NM_002473.6(MYH9):c.4242C>G (p.Thr1414=)

Gene: MYH9 (myosin heavy chain 9; minus strand). Cytogenetic location: 22q12.3.
Variant type: single nucleotide variant.
Coding change: c.4242C>G on transcript NM_002473.6 (MANE Select); coding-DNA position 4242, C replaced by G.
Protein change: p.Thr1414=; no amino-acid change (threonine 1414 retained).
Molecular consequence: synonymous variant.
Genome position (GRCh38, 1-based): chr22:36,292,088, G>C on the plus strand (C>G on the coding strand, the complement: MYH9 is on the minus strand). VCF-style: chr22-36292088-G-C. GRCh37 (hg19) VCF-style: chr22-36688134-G-C.
Other names: p.Thr1414=.
Identifiers: ClinVar variation 2990415 (VCV002990415.4), dbSNP rs778157307, ClinGen allele CA514352996.

ClinVar aggregate classification (germline): Benign/Likely benign. Review status: criteria provided, multiple submitters, no conflicts (2 of 4 stars). 2 submissions from 2 submitters: Benign (1); Likely benign (1). Last evaluated 2025-09-17.

Allele frequency attached by ClinVar (database versions not stated): gnomAD exomes 0.00001.
gnomAD v4.1: 6 of 1,614,176 alleles (0.00037%); highest among the groups gnomAD compares: Admixed American, 0.01%; no homozygotes.

Submissions (2):

Mayo Clinic Laboratories, Mayo Clinic
Classification: Likely benign. Last evaluated: 2025-09-17. Review status: criteria provided, single submitter. Criteria: ACMG Guidelines, 2015. Collection method: clinical testing. Allele origin: germline. Observed: 1 variant allele.
Comment: BP4, BP7

Labcorp Genetics (formerly Invitae), Labcorp
Classification: Benign. Last evaluated: 2023-10-23. Review status: criteria provided, single submitter. Criteria: Invitae Variant Classification Sherloc (09022015). Collection method: clinical testing. Allele origin: germline.